The following is an entry in ClinVar:

NM_199242.3(UNC13D):c.1596+1G>C

Gene: UNC13D (unc-13 homolog D; minus strand). Cytogenetic location: 17q25.1.
Variant type: single nucleotide variant.
Coding change: c.1596+1G>C on transcript NM_199242.3 (MANE Select); the canonical splice donor site of the intron after coding-DNA position 1596, G replaced by C.
Molecular consequence: splice donor variant.
Genome position (GRCh38, 1-based): chr17:75,835,854, C>G on the plus strand (G>C on the coding strand, the complement: UNC13D is on the minus strand). VCF-style: chr17-75835854-C-G. GRCh37 (hg19) VCF-style: chr17-73831935-C-G.
Identifiers: ClinVar variation 801412 (VCV000801412.6), dbSNP rs933702160, ClinGen allele CA294086876.

ClinVar aggregate classification (germline): Pathogenic. Review status: criteria provided, multiple submitters, no conflicts (2 of 4 stars). 3 submissions from 3 submitters: Pathogenic (2). 1 of the submissions does not count toward it. Last evaluated 2023-12-03.

Conditions:
Familial hemophagocytic lymphohistiocytosis 3 (FHL3). Also called: UNC13D-Related Familial Hemophagocytic Lymphohistiocytosis (UNC13D-fHLH). Identifiers: Orphanet 540, MedGen C1837174, MONDO:0012146, OMIM 608898.

Allele frequency attached by ClinVar (database versions not stated): gnomAD exomes below 0.00001; TOPMed below 0.00001; gnomAD 0.00001.
gnomAD v4.1: 4 of 1,614,036 alleles (0.00025%); highest among the groups gnomAD compares: East Asian, 0.0089%; no homozygotes.

Submissions (3):

Labcorp Genetics (formerly Invitae), Labcorp
Classification: Pathogenic for Familial hemophagocytic lymphohistiocytosis 3. Last evaluated: 2023-12-03. Review status: criteria provided, single submitter. Criteria: Invitae Variant Classification Sherloc (09022015). Collection method: clinical testing. Allele origin: germline.
Comment: This sequence change affects a donor splice site in intron 18 of the UNC13D gene. It is expected to disrupt RNA splicing. Variants that disrupt the donor or acceptor splice site typically lead to a loss of protein function (PMID: 16199547), and loss-of-function variants in UNC13D are known to be pathogenic (PMID: 14622600). This variant is not present in population databases (gnomAD no frequency). Disruption of this splice site has been observed in individual(s) with autosomal recessive hemophagocytic lymphohistiocytosis (PMID: 15466010). In at least one individual the data is consistent with being in trans (on the opposite chromosome) from a pathogenic variant. It has also been observed to segregate with disease in related individuals. ClinVar contains an entry for this variant (Variation ID: 801412). Algorithms developed to predict the effect of sequence changes on RNA splicing suggest that this variant may disrupt the consensus splice site. For these reasons, this variant has been classified as Pathogenic.

Mendelics
Classification: Pathogenic. Last evaluated: 2019-05-28. Review status: criteria provided, single submitter. Criteria: Mendelics Assertion Criteria 2017. Collection method: clinical testing. Allele origin: unknown.

GeneReviews
No classification provided. Condition: Familial hemophagocytic lymphohistiocytosis 3. Review status: no classification provided. Collection method: literature only. Allele origin: germline. Not counted in ClinVar's aggregate classification.
Comment: Most common UNC13D variant in Japan [Yamamoto et al 2004]

Literature cited by the submitters: PubMed 16199547 (cited by Labcorp Genetics (formerly Invitae), Labcorp); PubMed 14622600 (cited by Labcorp Genetics (formerly Invitae), Labcorp); PubMed 15466010 (cited by Labcorp Genetics (formerly Invitae), Labcorp and GeneReviews).